The following is an entry in ClinVar:

NM_178497.5(ODAPH):c.118G>T (p.Ala40Ser)

Gene: ODAPH (odontogenesis associated phosphoprotein; plus strand). Cytogenetic location: 4q21.1.
Variant type: single nucleotide variant.
Coding change: c.118G>T on transcript NM_178497.5 (MANE Select); coding-DNA position 118, G replaced by T.
Protein change: p.Ala40Ser; replaces alanine 40 with serine.
Molecular consequence: missense variant. On other transcripts: synonymous variant (1), non-coding transcript variant (2).
Genome position (GRCh38, 1-based): chr4:75,564,164, G>T. VCF-style: chr4-75564164-G-T. GRCh37 (hg19) VCF-style: chr4-76489374-G-T.
Other names: c.162G>T, p.Thr54= (NM_001206981.2); c.118G>T, p.Ala40Ser (NM_001257072.2); short protein forms A40S.
Identifiers: ClinVar variation 3049164 (VCV003049164.2), dbSNP rs143319706, ClinGen allele CA2964931.
Genomic context (GRCh38, chr4:75,564,164, plus strand): 5'-CTCTCCACAGGACAAGAAGAGGTATTTACGCCTCCTGGAGATTCACAAAATAATGCGGAC[G>T]CTACCGACTGCCAGATCTTTACACTCACCCCTCCACCTGCCCCGAGGAGTCCGGTCACAA-3'
Protein context (NP_848592.2, residues 30-50): PPGDSQNNAD[Ala40Ser]TDCQIFTLTP

ClinVar aggregate classification (germline): Likely benign (0 of 4 stars; one submission).

Conditions:
ODAPH-related disorder. Also called: ODAPH-related condition.

Allele frequency attached by ClinVar (database versions not stated): 1000 Genomes Project 0.00060; 1000 Genomes Project 30x 0.00062; ESP Exome Variant Server 0.00185.
gnomAD v4.1: 248 of 1,614,118 alleles (0.015%); highest among the groups gnomAD compares: African/African-American, 0.28%; no homozygotes.

Submission:

PreventionGenetics, part of Exact Sciences
Classification: Likely benign for ODAPH-related condition. Last evaluated: 2022-05-31. Review status: no assertion criteria provided. Collection method: clinical testing. Allele origin: germline.
Comment: This variant is classified as likely benign based on ACMG/AMP sequence variant interpretation guidelines (Richards et al. 2015 PMID: 25741868, with internal and published modifications).